The following is an entry in ClinVar:

NM_002299.4(LCT):c.2911G>T (p.Val971Leu)

Gene: LCT (lactase; minus strand). Cytogenetic location: 2q21.3.
Variant type: single nucleotide variant.
Coding change: c.2911G>T on transcript NM_002299.4 (MANE Select); coding-DNA position 2911, G replaced by T.
Protein change: p.Val971Leu; replaces valine 971 with leucine.
Molecular consequence: missense variant.
Genome position (GRCh38, 1-based): chr2:135,809,436, C>A on the plus strand (G>T on the coding strand, the complement: LCT is on the minus strand). VCF-style: chr2-135809436-C-A. GRCh37 (hg19) VCF-style: chr2-136567006-C-A.
Other names: short protein forms V971L.
Identifiers: ClinVar variation 1947930 (VCV001947930.6), dbSNP rs1364789897, ClinGen allele CA348601497.

ClinVar aggregate classification (germline): Uncertain significance. Review status: criteria provided, multiple submitters, no conflicts (2 of 4 stars). 2 submissions from 2 submitters: Uncertain significance (2). Last evaluated 2025-08-07.

Conditions:
Inborn genetic diseases. Identifiers: MedGen C0950123, MeSH D030342.

Allele frequency attached by ClinVar (database versions not stated): gnomAD exomes below 0.00001.
gnomAD v4.1: 3 of 1,614,238 alleles (0.00019%); highest among the groups gnomAD compares: Non-Finnish European, 0.00025%; no homozygotes.

Submissions (2):

Ambry Genetics
Classification: Uncertain significance for Inborn genetic diseases. Last evaluated: 2025-08-07. Review status: criteria provided, single submitter. Criteria: Ambry Variant Classification Scheme 2023. Collection method: clinical testing. Allele origin: germline.

Labcorp Genetics (formerly Invitae), Labcorp
Classification: Uncertain significance. Last evaluated: 2022-07-01. Review status: criteria provided, single submitter. Criteria: Invitae Variant Classification Sherloc (09022015). Collection method: clinical testing. Allele origin: germline.
Comment: This sequence change replaces valine, which is neutral and non-polar, with leucine, which is neutral and non-polar, at codon 971 of the LCT protein (p.Val971Leu). This variant is not present in population databases (gnomAD no frequency). This variant has not been reported in the literature in individuals affected with LCT-related conditions. Algorithms developed to predict the effect of missense changes on protein structure and function are either unavailable or do not agree on the potential impact of this missense change (SIFT: "Not Available"; PolyPhen-2: "Possibly Damaging"; Align-GVGD: "Not Available"). In summary, the available evidence is currently insufficient to determine the role of this variant in disease. Therefore, it has been classified as a Variant of Uncertain Significance.